The following is an entry in ClinVar:

NM_001352514.2(HLCS):c.445G>A (p.Glu149Lys)

Gene: HLCS (holocarboxylase synthetase; minus strand). Cytogenetic location: 21q22.13.
Variant type: single nucleotide variant.
Coding change: c.445G>A on transcript NM_001352514.2 (MANE Select); coding-DNA position 445, G replaced by A.
Protein change: p.Glu149Lys; replaces glutamic acid 149 with lysine.
Molecular consequence: missense variant. On other transcripts: non-coding transcript variant (2).
Genome position (GRCh38, 1-based): chr21:36,938,880, C>T on the plus strand (G>A on the coding strand, the complement: HLCS is on the minus strand). VCF-style: chr21-36938880-C-T. GRCh37 (hg19) VCF-style: chr21-38311180-C-T.
Other names: c.4G>A, p.Glu2Lys (NM_000411.8, NM_001242784.3, NM_001242785.2 and 4 more transcripts); short protein forms E2K, E149K.
Identifiers: ClinVar variation 418248 (VCV000418248.6), dbSNP rs148981273, ClinGen allele CA16620992.

ClinVar aggregate classification (germline): Conflicting classifications of pathogenicity. Review status: criteria provided, conflicting classifications (1 of 4 stars). 2 submissions from 2 submitters: Likely pathogenic (1); Uncertain significance (1). Last evaluated 2018-01-13.

Conditions:
Holocarboxylase synthetase deficiency. Also called: MULTIPLE CARBOXYLASE DEFICIENCY, EARLY ONSET. Identifiers: Orphanet 79242, MedGen C0268581, MONDO:0009666, OMIM 253270.

Allele frequency attached by ClinVar (database versions not stated): gnomAD exomes below 0.00001 and 0.00002; gnomAD 0.00001; TOPMed 0.00002; ESP Exome Variant Server 0.00008.
gnomAD v4.1: 26 of 1,613,996 alleles (0.0016%); highest among the groups gnomAD compares: Non-Finnish European, 0.0022%; no homozygotes.

Submissions (2):

Illumina Laboratory Services, Illumina
Classification: Uncertain significance for Holocarboxylase synthetase deficiency. Last evaluated: 2018-01-13. Review status: criteria provided, single submitter. Criteria: ICSL Variant Classification Criteria 13 December 2019. Collection method: clinical testing. Allele origin: germline.

GeneDx
Classification: Likely pathogenic. Last evaluated: 2014-12-23. Review status: criteria provided, single submitter. Criteria: GeneDx Variant Classification (06012015). Collection method: clinical testing. Allele origin: germline. Affected: yes.
Comment: This E2K variant has not been published as a pathogenic variant, nor has it been reported as a benign polymorphism to our knowledge. The E2K variant is a non-conservative amino acid substitution, which is likely to impact secondary protein structure as these residues differ in polarity, charge, size and/or other properties. This substitution occurs at a position that is conserved across species. In silico analysis predicts this variant is probably damaging to the protein structure/function. Therefore, this is a strong candidate for a pathogenic variant, however the possibility that it is a benign variant cannot be excluded.